The following is an entry in ClinVar:

NM_004260.4(RECQL4):c.1030C>T (p.Arg344Trp)

Gene: RECQL4 (RecQ like helicase 4; minus strand). Cytogenetic location: 8q24.3.
Variant type: single nucleotide variant.
Coding change: c.1030C>T on transcript NM_004260.4 (MANE Select); coding-DNA position 1030, C replaced by T.
Protein change: p.Arg344Trp; replaces arginine 344 with tryptophan.
Molecular consequence: missense variant.
Genome position (GRCh38, 1-based): chr8:144,516,089, G>A on the plus strand (C>T on the coding strand, the complement: RECQL4 is on the minus strand). VCF-style: chr8-144516089-G-A. GRCh37 (hg19) VCF-style: chr8-145741473-G-A.
Other names: short protein forms R344W.
Identifiers: ClinVar variation 528939 (VCV000528939.34), dbSNP rs768850000, ClinGen allele CA4949108.
Genomic context (GRCh38, chr8:144,516,089, plus strand): 5'-CGTAGTGTTTCTGCTTCATGTTGAGCCGTACGTAATTGCCCCTGTCATGGCGGGCCAGCC[G>A]AGGGAAGATGTGCAGGGGGGCTGTGCCCTCAGCCTTCCCAGCCCTAGCTTGACTGGAGGG-3'
Protein context (NP_004251.4, residues 334-354): EGTAPLHIFP[Arg344Trp]LARHDRGNYV

ClinVar aggregate classification (germline): Uncertain significance. Review status: criteria provided, multiple submitters, no conflicts (2 of 4 stars). 6 submissions from 6 submitters: Uncertain significance (6). Last evaluated 2025-07-28.

Conditions:
RECQL4-related disorder. Also called: RECQL4-related condition; RECQL4-related disorders.
Inborn genetic diseases. Identifiers: MedGen C0950123, MeSH D030342.
Baller-Gerold syndrome (BGS). Also called: CRANIOSYNOSTOSIS WITH RADIAL DEFECTS. Identifiers: Orphanet 1225, MedGen C0265308, MONDO:0009039, OMIM 218600.

Allele frequency attached by ClinVar (database versions not stated): ExAC 0.00002; gnomAD exomes 0.00002 and 0.00003; gnomAD 0.00004; TOPMed 0.00005.

Submissions (6):

GeneDx
Classification: Uncertain significance. Last evaluated: 2025-07-28. Review status: criteria provided, single submitter. Criteria: GeneDx Variant Classification Process June 2021. Collection method: clinical testing. Allele origin: germline. Affected: yes.
Comment: In silico analysis supports that this missense variant has a deleterious effect on protein structure/function; Has not been previously published as pathogenic or benign to our knowledge

Labcorp Genetics (formerly Invitae), Labcorp
Classification: Uncertain significance for Baller-Gerold syndrome. Last evaluated: 2025-04-14. Review status: criteria provided, single submitter. Criteria: Invitae Variant Classification Sherloc (09022015). Collection method: clinical testing. Allele origin: germline.
Comment: This sequence change replaces arginine, which is basic and polar, with tryptophan, which is neutral and slightly polar, at codon 344 of the RECQL4 protein (p.Arg344Trp). This variant is present in population databases (rs768850000, gnomAD 0.006%). This variant has not been reported in the literature in individuals affected with RECQL4-related conditions. ClinVar contains an entry for this variant (Variation ID: 528939). Invitae Evidence Modeling of protein sequence and biophysical properties (such as structural, functional, and spatial information, amino acid conservation, physicochemical variation, residue mobility, and thermodynamic stability) indicates that this missense variant is not expected to disrupt RECQL4 protein function with a negative predictive value of 80%. Algorithms developed to predict the effect of sequence changes on RNA splicing suggest that this variant may create or strengthen a splice site. In summary, the available evidence is currently insufficient to determine the role of this variant in disease. Therefore, it has been classified as a Variant of Uncertain Significance.

Ambry Genetics
Classification: Uncertain significance for Inborn genetic diseases. Last evaluated: 2024-11-22. Review status: criteria provided, single submitter. Criteria: Ambry Variant Classification Scheme 2023. Collection method: clinical testing. Allele origin: germline.
Comment: The p.R344W variant (also known as c.1030C>T), located in coding exon 5 of the RECQL4 gene, results from a C to T substitution at nucleotide position 1030. The arginine at codon 344 is replaced by tryptophan, an amino acid with dissimilar properties. This amino acid position is conserved. In addition, this alteration is predicted to be tolerated by in silico analysis. Based on the available evidence, the clinical significance of this variant remains unclear.

CeGaT Center for Human Genetics Tuebingen
Classification: Uncertain significance. Last evaluated: 2024-01-01. Review status: criteria provided, single submitter. Criteria: CeGaT Center For Human Genetics Tuebingen Variant Classification Criteria Version 2. Collection method: clinical testing. Allele origin: germline. Affected: yes. Observed: 1 variant allele.
Comment: RECQL4: PM2, BP1, BP4

PreventionGenetics, part of Exact Sciences
Classification: Uncertain significance for RECQL4-related condition. Last evaluated: 2023-01-11. Review status: criteria provided, single submitter. Criteria: ACMG Guidelines, 2015. Collection method: clinical testing. Allele origin: germline.
Comment: The RECQL4 c.1030C>T variant is predicted to result in the amino acid substitution p.Arg344Trp. To our knowledge, this variant has not been reported in the literature. This variant is reported in 0.0063% of alleles in individuals of European (Non-Finnish) descent in gnomAD. This variant has been reported in ClinVar as uncertain. At this time, the clinical significance of this variant is uncertain due to the absence of conclusive functional and genetic evidence.

Blueprint Genetics
Classification: Uncertain significance. Last evaluated: 2022-09-14. Review status: criteria provided, single submitter. Criteria: ACMG Guidelines, 2015. Collection method: clinical testing. Allele origin: germline.